The following is an entry in ClinVar:

ClinVar aggregate classification (germline): Uncertain significance (1 of 4 stars; one submission).

Conditions:
Inborn genetic diseases. Identifiers: MedGen C0950123, MeSH D030342.

Submission:

Ambry Genetics
Classification: Uncertain significance for Inborn genetic diseases. Last evaluated: 2025-10-22. Review status: criteria provided, single submitter. Criteria: Ambry Variant Classification Scheme 2023. Collection method: clinical testing. Allele origin: germline.
Comment: The p.M207K variant (also known as c.620T>A), located in coding exon 5 of the G6PC3 gene, results from a T to A substitution at nucleotide position 620. The methionine at codon 207 is replaced by lysine, an amino acid with similar properties. This amino acid position is conserved. In addition, this alteration is predicted to be tolerated by in silico analysis. Based on the available evidence, the clinical significance of this variant remains unclear.

NM_138387.4(G6PC3):c.620T>A (p.Met207Lys)

Gene: G6PC3 (glucose-6-phosphatase catalytic subunit 3; plus strand). Cytogenetic location: 17q21.31.
Variant type: single nucleotide variant.
Coding change: c.620T>A on transcript NM_138387.4 (MANE Select); coding-DNA position 620, T replaced by A.
Protein change: p.Met207Lys; replaces methionine 207 with lysine.
Molecular consequence: missense variant.
Genome position (GRCh38, 1-based): chr17:44,075,394, T>A. VCF-style: chr17-44075394-T-A. GRCh37 (hg19) VCF-style: chr17-42152762-T-A.
Other names: c.501T>A, p.His167Gln (NM_001319945.2); c.275T>A, p.Met92Lys (NM_001384165.1, NM_001384166.1, NM_001384167.1 and 1 more transcripts); short protein forms M92K, M207K, H167Q.
Identifiers: ClinVar variation 4620503 (VCV004620503.1).